The following is an entry in ClinVar:

ClinVar aggregate classification (germline): Uncertain significance. Review status: criteria provided, multiple submitters, no conflicts (2 of 4 stars). 2 submissions from 2 submitters: Uncertain significance (2). Last evaluated 2025-02-13.

Conditions:
Dyskeratosis congenita. Identifiers: Orphanet 1775, MedGen C0265965, MONDO:0015780.

Allele frequency attached by ClinVar (database versions not stated): ExAC 0.00001; gnomAD exomes 0.00001.
gnomAD v4.1: 9 of 1,614,036 alleles (0.00056%); highest among the groups gnomAD compares: Non-Finnish European, 0.00017%; no homozygotes.

Submissions (2):

Ambry Genetics
Classification: Uncertain significance for Dyskeratosis congenita. Last evaluated: 2025-02-13. Review status: criteria provided, single submitter. Criteria: Ambry Variant Classification Scheme 2023. Collection method: clinical testing. Allele origin: germline.
Comment: The p.P131T variant (also known as c.391C>A), located in coding exon 4 of the NHP2 gene, results from a C to A substitution at nucleotide position 391. The proline at codon 131 is replaced by threonine, an amino acid with highly similar properties. This amino acid position is conserved. In addition, the in silico prediction for this alteration is inconclusive. Based on the available evidence, the clinical significance of this variant remains unclear.

Labcorp Genetics (formerly Invitae), Labcorp
Classification: Uncertain significance for Dyskeratosis congenita. Last evaluated: 2024-04-22. Review status: criteria provided, single submitter. Criteria: Invitae Variant Classification Sherloc (09022015). Collection method: clinical testing. Allele origin: germline.
Comment: This sequence change replaces proline, which is neutral and non-polar, with threonine, which is neutral and polar, at codon 131 of the NHP2 protein (p.Pro131Thr). This variant is present in population databases (rs762870297, gnomAD 0.04%). This variant has not been reported in the literature in individuals affected with NHP2-related conditions. ClinVar contains an entry for this variant (Variation ID: 2071769). An algorithm developed to predict the effect of missense changes on protein structure and function (PolyPhen-2) suggests that this variant is likely to be disruptive. In summary, the available evidence is currently insufficient to determine the role of this variant in disease. Therefore, it has been classified as a Variant of Uncertain Significance.

NM_017838.4(NHP2):c.391C>A (p.Pro131Thr)

Genes: NHP2 (NHP2 ribonucleoprotein; minus strand), RMND5B (required for meiotic nuclear division 5 homolog B; plus strand). Cytogenetic location: 5q35.3.
Variant type: single nucleotide variant.
Coding change: c.391C>A on transcript NM_017838.4 (MANE Select); coding-DNA position 391, C replaced by A.
Protein change: p.Pro131Thr; replaces proline 131 with threonine.
Molecular consequence: missense variant. On other transcripts: 3 prime UTR variant (5).
Genome position (GRCh38, 1-based): chr5:178,149,784, G>T on the plus strand (C>A on the coding strand, the complement: NHP2 is on the minus strand). VCF-style: chr5-178149784-G-T. GRCh37 (hg19) VCF-style: chr5-177576785-G-T.
Other names: c.*12C>A (NM_001034833.2, NM_001396110.1); c.*1752G>T (NM_001288794.2, NM_001288795.2, NM_022762.5); short protein forms P131T.
Identifiers: ClinVar variation 2071769 (VCV002071769.4), dbSNP rs762870297, ClinGen allele CA3589112.
Genomic context (GRCh38, chr5:178,149,784, plus strand): 5'-GGGGCAGGGACTGCACCTCCTCCAGGCACTCATCGTAAGCCTCCTGGTACTCCTCATGGG[G>T]CTTGACCATTATCACACAGGTGGGGCGCTTGGAGCCTGCGGCTGCACCCAGGTCCTACAG-3'
Protein context (NP_060308.1, residues 121-141): KRPTCVIMVK[Pro131Thr]HEEYQEAYDE